The following is an entry in ClinVar:

ClinVar aggregate classification (germline): Likely benign. Review status: criteria provided, multiple submitters, no conflicts (2 of 4 stars). 3 submissions from 3 submitters: Likely benign (3). Last evaluated 2025-06-27.

Conditions:
Arrhythmogenic right ventricular cardiomyopathy (ARVD). Also called: Arrhythmogenic cardiomyopathy; Arrhythmogenic Right Ventricular Cardiomyopathy (ARVC); Cardiomyopathy, ARVC; Arrhythmogenic right ventricular dysplasia. Identifiers: Orphanet 247, MedGen C0349788, MeSH D019571, MONDO:0016587. Disease mechanism: loss of function. Inheritance: Various modes of inheritance.
Arrhythmogenic right ventricular dysplasia 10. Also called: Arrhythmogenic right ventricular dysplasia/cardiomyopathy, type 10; Arrhythmogenic Right Ventricular Dysplasia/Cardiomyopathy10; ARRHYTHMOGENIC RIGHT VENTRICULAR DYSPLASIA, FAMILIAL, 10. Identifiers: MedGen C1857777, MONDO:0012434, OMIM 610193.

Allele frequency attached by ClinVar (database versions not stated): gnomAD exomes below 0.00001; gnomAD 0.00001.
gnomAD v4.1: 5 of 1,613,642 alleles (0.00031%); highest among the groups gnomAD compares: African/African-American, 0.004%; no homozygotes.

Submissions (3):

Labcorp Genetics (formerly Invitae), Labcorp
Classification: Likely benign for Arrhythmogenic right ventricular dysplasia 10. Last evaluated: 2025-06-27. Review status: criteria provided, single submitter. Criteria: Invitae Variant Classification Sherloc (09022015). Collection method: clinical testing. Allele origin: germline.

All of Us Research Program, National Institutes of Health
Classification: Likely benign for Arrhythmogenic right ventricular cardiomyopathy. Last evaluated: 2024-04-16. Review status: criteria provided, single submitter. Criteria: ACMG Guidelines, 2015. Collection method: clinical testing. Allele origin: germline. Inheritance: Autosomal dominant inheritance. Observed: 1 variant allele, 1 heterozygote.
Comment: This study involves interpretation of variants in research participants for the purpose of population health screening. Participant phenotype was not available at the time of variant classification. Additional details can be found in publication PMID: 35346344, PMCID: PMC8962531

GeneDx
Classification: Likely benign. Last evaluated: 2018-01-11. Review status: criteria provided, single submitter. Criteria: GeneDx Variant Classification (06012015). Collection method: clinical testing. Allele origin: germline. Affected: yes.
Comment: This variant is considered likely benign or benign based on one or more of the following criteria: it is a conservative change, it occurs at a poorly conserved position in the protein, it is predicted to be benign by multiple in silico algorithms, and/or has population frequency not consistent with disease.

NM_001943.5(DSG2):c.82-10A>G

Gene: DSG2 (desmoglein 2; plus strand). Cytogenetic location: 18q12.1.
Variant type: single nucleotide variant.
Coding change: c.82-10A>G on transcript NM_001943.5 (MANE Select); 10 bases into the intron before coding-DNA position 82, A replaced by G.
Molecular consequence: intron variant.
Genome position (GRCh38, 1-based): chr18:31,519,793, A>G. VCF-style: chr18-31519793-A-G. GRCh37 (hg19) VCF-style: chr18-29099756-A-G.
Other names: c.82-10A>G (LRG_397t1).
Identifiers: ClinVar variation 512648 (VCV000512648.4), dbSNP rs1437170752, ClinGen allele CA629147994.